The following is an entry in ClinVar:

ClinVar aggregate classification (germline): Uncertain significance. Review status: criteria provided, multiple submitters, no conflicts (2 of 4 stars). 2 submissions from 2 submitters: Uncertain significance (2). Last evaluated 2024-10-15.

Conditions:
Frontotemporal dementia and/or amyotrophic lateral sclerosis 7 (FTDALS7). Also called: CHMP2B-Related Frontotemporal Dementia-Amyotrophic Lateral Sclerosis; CHMP2B-related frontotemporal dementia; AMYOTROPHIC LATERAL SCLEROSIS, CHMP2B-RELATED; Amyotrophic lateral sclerosis 17. Identifiers: Orphanet 275864, Orphanet 282, Orphanet 803, MedGen C1833296, MONDO:0010936, OMIM 600795.

Allele frequency attached by ClinVar (database versions not stated): TOPMed below 0.00001; gnomAD exomes 0.00001.

Submissions (2):

Labcorp Genetics (formerly Invitae), Labcorp
Classification: Uncertain significance for Frontotemporal dementia and/or amyotrophic lateral sclerosis 7. Last evaluated: 2024-10-15. Review status: criteria provided, single submitter. Criteria: Invitae Variant Classification Sherloc (09022015). Collection method: clinical testing. Allele origin: germline.
Comment: This sequence change replaces methionine, which is neutral and non-polar, with valine, which is neutral and non-polar, at codon 141 of the CHMP2B protein (p.Met141Val). This variant is not present in population databases (gnomAD no frequency). This variant has not been reported in the literature in individuals affected with CHMP2B-related conditions. ClinVar contains an entry for this variant (Variation ID: 1333969). An algorithm developed to predict the effect of missense changes on protein structure and function (PolyPhen-2) suggests that this variant is likely to be tolerated. Algorithms developed to predict the effect of sequence changes on RNA splicing suggest that this variant may disrupt the consensus splice site. In summary, the available evidence is currently insufficient to determine the role of this variant in disease. Therefore, it has been classified as a Variant of Uncertain Significance.

CENTOGENE GmbH and LLC - Guiding Precision Medicine
Classification: Uncertain significance for Frontotemporal dementia and/or amyotrophic lateral sclerosis 7. Last evaluated: 2021-01-08. Review status: criteria provided, single submitter. Criteria: ACMG Guidelines, 2015. Collection method: clinical testing. Allele origin: germline. Affected: yes.

NM_014043.4(CHMP2B):c.421A>G (p.Met141Val)

Gene: CHMP2B (charged multivesicular body protein 2B; plus strand). Cytogenetic location: 3p11.2.
Variant type: single nucleotide variant.
Coding change: c.421A>G on transcript NM_014043.4 (MANE Select); coding-DNA position 421, A replaced by G.
Protein change: p.Met141Val; replaces methionine 141 with valine.
Molecular consequence: missense variant.
Genome position (GRCh38, 1-based): chr3:87,249,974, A>G. VCF-style: chr3-87249974-A-G. GRCh37 (hg19) VCF-style: chr3-87299124-A-G.
Other names: c.298A>G, p.Met100Val (NM_001244644.2); short protein forms M100V, M141V.
Identifiers: ClinVar variation 1333969 (VCV001333969.6), dbSNP rs1706285788, ClinGen allele CA353697425.